The following is an entry in ClinVar:

ClinVar aggregate classification (germline): Uncertain significance (1 of 4 stars; one submission).

Conditions:
Hereditary cancer-predisposing syndrome. Also called: Tumor predisposition; Hereditary neoplastic syndrome; Hereditary Cancer Syndrome; Neoplastic Syndromes, Hereditary. Identifiers: Orphanet 140162, MedGen C0027672, MeSH D009386, MONDO:0015356.

Submission:

Ambry Genetics
Classification: Uncertain significance for Hereditary cancer-predisposing syndrome. Last evaluated: 2024-01-30. Review status: criteria provided, single submitter. Criteria: Ambry Variant Classification Scheme 2023. Collection method: clinical testing. Allele origin: germline.
Comment: The p.R425I variant (also known as c.1274G>T), located in coding exon 10 of the NBN gene, results from a G to T substitution at nucleotide position 1274. The arginine at codon 425 is replaced by isoleucine, an amino acid with similar properties. This amino acid position is conserved. In addition, this alteration is predicted to be tolerated by in silico analysis. Based on the available evidence, the clinical significance of this alteration remains unclear.

NM_002485.5(NBN):c.1274G>T (p.Arg425Ile)

Gene: NBN (nibrin; minus strand). Cytogenetic location: 8q21.3.
Variant type: single nucleotide variant.
Coding change: c.1274G>T on transcript NM_002485.5 (MANE Select); coding-DNA position 1274, G replaced by T.
Protein change: p.Arg425Ile; replaces arginine 425 with isoleucine.
Molecular consequence: missense variant.
Genome position (GRCh38, 1-based): chr8:89,955,406, C>A on the plus strand (G>T on the coding strand, the complement: NBN is on the minus strand). VCF-style: chr8-89955406-C-A. GRCh37 (hg19) VCF-style: chr8-90967634-C-A.
Other names: c.1028G>T, p.Arg343Ile (NM_001024688.3); short protein forms R343I, R425I.
Identifiers: ClinVar variation 3222406 (VCV003222406.1), dbSNP rs1060503478, ClinGen allele CA371656217.